The following is an entry in ClinVar:

ClinVar aggregate classification (germline): Uncertain significance (1 of 4 stars; one submission).

Conditions:
Cardiomyopathy (CMYO). Also called: Cardiomyopathies. Identifiers: Orphanet 167848, MedGen C0878544, MONDO:0004994, HP:0001638. Inheritance: Various modes of inheritance.

Submission:

Color Diagnostics, LLC DBA Color Health
Classification: Uncertain significance for Cardiomyopathy. Last evaluated: 2018-12-14. Review status: criteria provided, single submitter. Criteria: ACMG Guidelines, 2015. Collection method: clinical testing. Allele origin: germline.
Comment: Variant of Uncertain Significance due to insufficient evidence: This missense variant is located in the extracellular cadherin domain 2 of the DSC2 protein. Computational prediction tools and conservation analyses are inconclusive regarding the impact of this variant on the protein function. Computational splicing tools suggest that this variant may not impact RNA splicing. To our knowledge, functional assays have not been performed for this variant nor has this variant been reported in individuals affected with cardiovascular disorders in the literature. This variant is rare in the general population and has been identified in 0/277264 chromosomes by the Genome Aggregation Database (gnomAD). Available evidence is insufficient to determine the pathogenicity of this variant conclusively.

NM_024422.6(DSC2):c.797G>A (p.Cys266Tyr)

Gene: DSC2 (desmocollin 2; minus strand). Cytogenetic location: 18q12.1.
Variant type: single nucleotide variant.
Coding change: c.797G>A on transcript NM_024422.6 (MANE Select); coding-DNA position 797, G replaced by A.
Protein change: p.Cys266Tyr; replaces cysteine 266 with tyrosine.
Molecular consequence: missense variant.
Genome position (GRCh38, 1-based): chr18:31,086,721, C>T on the plus strand (G>A on the coding strand, the complement: DSC2 is on the minus strand). VCF-style: chr18-31086721-C-T. GRCh37 (hg19) VCF-style: chr18-28666684-C-T.
Other names: c.797G>A, p.Cys266Tyr (NM_004949.5); short protein forms C266Y.
Identifiers: ClinVar variation 924149 (VCV000924149.3), dbSNP rs1987413579, ClinGen allele CA402112311.
Genomic context (GRCh38, chr18:31,086,721, plus strand): 5'-CCAATGATGGAGTACTTCAGGCGTGTGTGCATCGTGTCAGGCTCATCTTTGTCAGTAGCA[C>T]ACACTTGTCCCACAGTAGTGCCTAGAGAAGAAAAGTCCTTTTTAATCTCCAAAACATTCA-3'
Protein context (NP_077740.1, residues 256-276): CRVGTTVGQV[Cys266Tyr]ATDKDEPDTM